The following is an entry in ClinVar:

ClinVar aggregate classification (germline): Pathogenic (1 of 4 stars; one submission).

Conditions:
Hypophosphatasia. Also called: Phosphoethanol-aminuria. Identifiers: Orphanet 436, MedGen C0020630, MeSH D007014, MONDO:0018570.

gnomAD v4.1: 1 of 1,613,962 alleles (0.000062%); highest among the groups gnomAD compares: Non-Finnish European, 0.000085%; no homozygotes.

Submission:

Genomenon, Inc
Classification: Pathogenic for Hypophosphatasia. Last evaluated: 2025-08-29. Review status: criteria provided, single submitter. Criteria: Genomenon Sequence Variant Interpretation Standards. Collection method: curation. Allele origin: germline. Affected: yes.
Comment: ALPL p.Tyr236Ter (c.708T>G) is a nonsense variant that introduces a premature stop codon at amino acid position 236, creating a truncated protein that is predicted to undergo nonsense-mediated mRNA decay. This variant has been observed in a proband affected with hypophosphatasia (PMID:32811521). It is absent or not present at a significant frequency in gnomAD. In conclusion, we classify ALPL p.Tyr236Ter (c.708T>G) as a pathogenic variant.

Literature cited by the submitters: PubMed 32811521.

NM_000478.6(ALPL):c.708T>G (p.Tyr236Ter)

Gene: ALPL (alkaline phosphatase, biomineralization associated; plus strand). Cytogenetic location: 1p36.12.
Variant type: single nucleotide variant.
Coding change: c.708T>G on transcript NM_000478.6 (MANE Select); coding-DNA position 708, T replaced by G.
Protein change: p.Tyr236Ter; replaces tyrosine 236 with a stop codon.
Molecular consequence: nonsense.
Genome position (GRCh38, 1-based): chr1:21,568,163, T>G. VCF-style: chr1-21568163-T-G. GRCh37 (hg19) VCF-style: chr1-21894656-T-G.
Other names: c.543T>G, p.Tyr181Ter (NM_001127501.4); c.477T>G, p.Tyr159Ter (NM_001177520.3); c.708T>G, p.Tyr236Ter (NM_001369803.2, NM_001369804.2, NM_001369805.2); short protein forms Y159*, Y181*, Y236*.
Identifiers: ClinVar variation 4086828 (VCV004086828.1).